The following is an entry in ClinVar:

NM_017617.5(NOTCH1):c.4306G>T (p.Ala1436Ser)

Gene: NOTCH1 (notch receptor 1; minus strand). Cytogenetic location: 9q34.3.
Variant type: single nucleotide variant.
Coding change: c.4306G>T on transcript NM_017617.5 (MANE Select); coding-DNA position 4306, G replaced by T.
Protein change: p.Ala1436Ser; replaces alanine 1436 with serine.
Molecular consequence: missense variant.
Genome position (GRCh38, 1-based): chr9:136,505,590, C>A on the plus strand (G>T on the coding strand, the complement: NOTCH1 is on the minus strand). VCF-style: chr9-136505590-C-A. GRCh37 (hg19) VCF-style: chr9-139400042-C-A.
Other names: short protein forms A1436S.
Identifiers: ClinVar variation 3656618 (VCV003656618.2).

ClinVar aggregate classification (germline): Uncertain significance (1 of 4 stars; one submission).

Conditions:
Adams-Oliver syndrome 5 (AOS5). Identifiers: Orphanet 974, MedGen C4014970, MONDO:0014459, OMIM 616028.

Submission:

Labcorp Genetics (formerly Invitae), Labcorp
Classification: Uncertain significance for Adams-Oliver syndrome 5. Last evaluated: 2024-06-13. Review status: criteria provided, single submitter. Criteria: Invitae Variant Classification Sherloc (09022015). Collection method: clinical testing. Allele origin: germline.
Comment: This sequence change replaces alanine, which is neutral and non-polar, with serine, which is neutral and polar, at codon 1436 of the NOTCH1 protein (p.Ala1436Ser). This variant is not present in population databases (gnomAD no frequency). This variant has not been reported in the literature in individuals affected with NOTCH1-related conditions. Advanced modeling of protein sequence and biophysical properties (such as structural, functional, and spatial information, amino acid conservation, physicochemical variation, residue mobility, and thermodynamic stability) performed at Invitae indicates that this missense variant is not expected to disrupt NOTCH1 protein function with a negative predictive value of 80%. In summary, the available evidence is currently insufficient to determine the role of this variant in disease. Therefore, it has been classified as a Variant of Uncertain Significance.